The following is an entry in ClinVar:

ClinVar aggregate classification (germline): Likely pathogenic. Review status: criteria provided, multiple submitters, no conflicts (2 of 4 stars). 2 submissions from 2 submitters: Likely pathogenic (2). Last evaluated 2025-02-07.

Conditions:
Ehlers-Danlos syndrome, type 4 (EDSVASC). Also called: Ehlers-Danlos syndrome vascular type; Ehlers Danlos syndrome, ecchymotic type; Ehlers Danlos syndrome, arterial type; Ehlers Danlos syndrome, Sack-Barabas type; Ehlers-Danlos Syndrome Type IV. Identifiers: Orphanet 286, MedGen C0268338, MONDO:0017314, OMIM 130050.
Polymicrogyria with or without vascular-type Ehlers-Danlos syndrome. Identifiers: Orphanet 636941, MedGen C5193040, MONDO:0032688, OMIM 618343.
Familial thoracic aortic aneurysm and aortic dissection (TAAD). Also called: Thoracic aortic aneurysms and dissections. Identifiers: Orphanet 91387, MedGen C4707243, MONDO:0019625.

Submissions (2):

Ambry Genetics
Classification: Likely pathogenic for Familial thoracic aortic aneurysm and aortic dissection. Last evaluated: 2025-02-07. Review status: criteria provided, single submitter. Criteria: Ambry Variant Classification Scheme 2023. Collection method: clinical testing. Allele origin: germline.
Comment: The p.G1041A variant (also known as c.3122G>C), located in coding exon 43 of the COL3A1 gene, results from a G to C substitution at nucleotide position 3122. The glycine at codon 1041 is replaced by alanine, an amino acid with similar properties. The majority (approximately two-thirds) ofCOL3A1mutations identified to date have involved the substitution of another amino acid for glycine within the triple-helical domain (PepinMG et al.GenetMed.2014;16(12):881-8; Frank M et al.Eur J Hum Genet. 2015;23(12):1657-64). Internal structural analysis indicates that this alteration disrupts the characteristic G-X-Y motif in theCOL3A1protein and inserts a bulky side chain into asterically-constrainedregion (Bella J et al.Science.1994;266:75-81;HohenesterE et al.Proc. Natl.Acad. Sci. U.S.A.2008;105:18273-7; Ambry internal data). This variant is considered to be rare based on population cohorts in the Genome Aggregation Database (gnomAD). This amino acid position is highly conserved in available vertebrate species. In addition, this alteration is predicted to be deleterious by in silico analysis. Based on the majority of available evidence to date, this variant is likely to be pathogenic.

Fulgent Genetics
Classification: Likely pathogenic for Ehlers-Danlos syndrome, type 4; Polymicrogyria with or without vascular-type Ehlers-Danlos syndrome. Last evaluated: 2024-03-18. Review status: criteria provided, single submitter. Criteria: ACMG Guidelines, 2015. Collection method: clinical testing. Allele origin: germline.

NM_000090.4(COL3A1):c.3122G>C (p.Gly1041Ala)

Gene: COL3A1 (collagen type III alpha 1 chain; plus strand). Cytogenetic location: 2q32.2.
Variant type: single nucleotide variant.
Coding change: c.3122G>C on transcript NM_000090.4 (MANE Select); coding-DNA position 3122, G replaced by C.
Protein change: p.Gly1041Ala; replaces glycine 1041 with alanine.
Molecular consequence: missense variant.
Genome position (GRCh38, 1-based): chr2:189,006,373, G>C. VCF-style: chr2-189006373-G-C. GRCh37 (hg19) VCF-style: chr2-189871099-G-C.
Other names: short protein forms G1041A.
Identifiers: ClinVar variation 3585122 (VCV003585122.2).